The following is an entry in ClinVar:

ClinVar aggregate classification (germline): Uncertain significance (1 of 4 stars; one submission).

gnomAD v4.1: 1 of 1,590,242 alleles (0.000063%); no homozygotes.

Submission:

Labcorp Genetics (formerly Invitae), Labcorp
Classification: Uncertain significance. Last evaluated: 2025-08-19. Review status: criteria provided, single submitter. Criteria: Invitae Variant Classification Sherloc (09022015). Collection method: clinical testing. Allele origin: germline.
Comment: This sequence change falls in intron 11 of the GFM2 gene. It does not directly change the encoded amino acid sequence of the GFM2 protein. The frequency data for this variant in the population databases is considered unreliable, as metrics indicate poor data quality at this position in the gnomAD database. This variant has not been reported in the literature in individuals affected with GFM2-related conditions. Algorithms developed to predict the effect of sequence changes on RNA splicing suggest that this variant may disrupt the consensus splice site. In summary, the available evidence is currently insufficient to determine the role of this variant in disease. Therefore, it has been classified as a Variant of Uncertain Significance.

NM_032380.5(GFM2):c.931-8C>G

Gene: GFM2 (GTP dependent ribosome recycling factor mitochondrial 2; minus strand). Cytogenetic location: 5q13.3.
Variant type: single nucleotide variant.
Coding change: c.931-8C>G on transcript NM_032380.5 (MANE Select); 8 bases into the intron before coding-DNA position 931, C replaced by G.
Molecular consequence: intron variant.
Genome position (GRCh38, 1-based): chr5:74,740,145, G>C on the plus strand (C>G on the coding strand, the complement: GFM2 is on the minus strand). VCF-style: chr5-74740145-G-C. GRCh37 (hg19) VCF-style: chr5-74035970-G-C.
Other names: c.931-8C>G (NM_170691.3, NM_170681.3); c.1027-8C>G (NM_001281302.2).
Identifiers: ClinVar variation 4725701 (VCV004725701.1).